The following is an entry in ClinVar:

NM_003906.5(MCM3AP):c.2998G>A (p.Val1000Ile)

Gene: MCM3AP (minichromosome maintenance complex component 3 associated protein; minus strand). Cytogenetic location: 21q22.3.
Variant type: single nucleotide variant.
Coding change: c.2998G>A on transcript NM_003906.5 (MANE Select); coding-DNA position 2998, G replaced by A.
Protein change: p.Val1000Ile; replaces valine 1000 with isoleucine.
Molecular consequence: missense variant.
Genome position (GRCh38, 1-based): chr21:46,265,958, C>T on the plus strand (G>A on the coding strand, the complement: MCM3AP is on the minus strand). VCF-style: chr21-46265958-C-T. GRCh37 (hg19) VCF-style: chr21-47685872-C-T.
Other names: p.Val1000Ile; short protein forms V1000I.
Identifiers: ClinVar variation 2183881 (VCV002183881.2), dbSNP rs779913783, ClinGen allele CA10076667.
Genomic context (GRCh38, chr21:46,265,958, plus strand): 5'-CCTCACTACGACTGCAGCTTCACTCACCCACTGTGTCGGAGCCGGGTCTCTGGGTGCTGA[C>T]GGGCAGCTCCGCGGCCAGGCTCTCCCCGATGTACTTGTTCTGGGAGTTGAAGCTGCACAC-3'
Protein context (NP_003897.2, residues 990-1010): IGESLAAELP[Val1000Ile]STQRPGSDTV

ClinVar aggregate classification (germline): Uncertain significance. Review status: criteria provided, multiple submitters, no conflicts (2 of 4 stars). 2 submissions from 2 submitters: Uncertain significance (2). Last evaluated 2023-06-21.

Allele frequency attached by ClinVar (database versions not stated): gnomAD exomes 0.00002; TOPMed 0.00002; ExAC 0.00003; gnomAD 0.00003.
gnomAD v4.1: 38 of 1,596,424 alleles (0.0024%); highest among the groups gnomAD compares: South Asian, 0.0034%; no homozygotes.

Submissions (2):

Mayo Clinic Laboratories, Mayo Clinic
Classification: Uncertain significance. Last evaluated: 2023-06-21. Review status: criteria provided, single submitter. Criteria: ACMG Guidelines, 2015. Collection method: clinical testing. Allele origin: germline. Observed: 1 variant allele.
Comment: BP4, PM2_moderate

Labcorp Genetics (formerly Invitae), Labcorp
Classification: Uncertain significance. Last evaluated: 2022-01-04. Review status: criteria provided, single submitter. Criteria: Invitae Variant Classification Sherloc (09022015). Collection method: clinical testing. Allele origin: germline.
Comment: This sequence change replaces valine, which is neutral and non-polar, with isoleucine, which is neutral and non-polar, at codon 1000 of the MCM3AP protein (p.Val1000Ile). This variant is present in population databases (rs779913783, gnomAD 0.008%). This variant has not been reported in the literature in individuals affected with MCM3AP-related conditions. Algorithms developed to predict the effect of missense changes on protein structure and function output the following: SIFT: "Tolerated"; PolyPhen-2: "Benign"; Align-GVGD: "Class C0". The isoleucine amino acid residue is found in multiple mammalian species, which suggests that this missense change does not adversely affect protein function. In summary, the available evidence is currently insufficient to determine the role of this variant in disease. Therefore, it has been classified as a Variant of Uncertain Significance.